The following is an entry in ClinVar:

ClinVar aggregate classification (germline): Pathogenic. Review status: criteria provided, multiple submitters, no conflicts (2 of 4 stars). 2 submissions from 2 submitters: Pathogenic (2). Last evaluated 2026-03-19.

Conditions:
Cardiovascular phenotype. Identifiers: MedGen CN230736.
Hereditary cancer-predisposing syndrome. Also called: Neoplastic Syndromes, Hereditary; Tumor predisposition; Hereditary Cancer Syndrome; Hereditary neoplastic syndrome. Identifiers: Orphanet 140162, MedGen C0027672, MeSH D009386, MONDO:0015356.

Allele frequency attached by ClinVar (database versions not stated): gnomAD exomes below 0.00001.
gnomAD v4.1: 2 of 1,613,598 alleles (0.00012%); highest among the groups gnomAD compares: Non-Finnish European, 0.00017%; no homozygotes.

Submissions (2):

Ambry Genetics
Classification: Pathogenic for Cardiovascular phenotype; Hereditary cancer-predisposing syndrome. Last evaluated: 2026-03-19. Review status: criteria provided, single submitter. Criteria: Ambry Variant Classification Scheme 2023. Collection method: clinical testing. Allele origin: germline.
Comment: The p.Q775* pathogenic mutation (also known as c.2323C>T), located in coding exon 19 of the LZTR1 gene, results from a C to T substitution at nucleotide position 2323. This changes the amino acid from a glutamine to a stop codon within coding exon 19. This variant is considered to be rare based on population cohorts in the Genome Aggregation Database (gnomAD). This alteration is expected to result in loss of function by premature protein truncation or nonsense-mediated mRNA decay. Loss-of-function variants in LZTR1 are related to an increased risk for schwannomas and autosomal recessive Noonan syndrome; however, such associations with autosomal dominant Noonan syndrome have not been observed (Piotrowski A et al. Nat Genet. 2014 Feb;46:182-7; Yamamoto GL et al. J Med Genet. 2015 Jun;52:413-21; Johnston JJ et al. Genet Med. 2018 10;20:1175-1185). Based on the supporting evidence, this variant is pathogenic for an increased risk of LZTR1-related schwannomatosis (SWN) and would be expected to cause autosomal recessive Noonan syndrome when present along with a second pathogenic or likely pathogenic variant on the other allele; however, the association of this alteration with autosomal dominant Noonan syndrome is unlikely.

Labcorp Genetics (formerly Invitae), Labcorp
Classification: Pathogenic. Last evaluated: 2025-06-19. Review status: criteria provided, single submitter. Criteria: Invitae Variant Classification Sherloc (09022015). Collection method: clinical testing. Allele origin: germline.
Comment: This sequence change creates a premature translational stop signal (p.Gln775*) in the LZTR1 gene. It is expected to result in an absent or disrupted protein product. Loss-of-function variants in LZTR1 are known to be pathogenic (PMID: 24362817, 25335493, 25480913, 25795793, 29469822, 30368668, 30442762, 30442766, 30481304, 30859559). This variant is not present in population databases (gnomAD no frequency). This variant has not been reported in the literature in individuals affected with LZTR1-related conditions. ClinVar contains an entry for this variant (Variation ID: 1789606). Algorithms developed to predict the effect of sequence changes on RNA splicing suggest that this variant may disrupt the consensus splice site. For these reasons, this variant has been classified as Pathogenic.

Literature cited by the submitters: PubMed 24362817 (cited by Labcorp Genetics (formerly Invitae), Labcorp); PubMed 25335493 (cited by Labcorp Genetics (formerly Invitae), Labcorp); PubMed 25480913 (cited by Labcorp Genetics (formerly Invitae), Labcorp); PubMed 25795793 (cited by Labcorp Genetics (formerly Invitae), Labcorp); PubMed 29469822 (cited by Labcorp Genetics (formerly Invitae), Labcorp); PubMed 30368668 (cited by Labcorp Genetics (formerly Invitae), Labcorp); PubMed 30442762 (cited by Labcorp Genetics (formerly Invitae), Labcorp); PubMed 30442766 (cited by Labcorp Genetics (formerly Invitae), Labcorp); PubMed 30481304 (cited by Labcorp Genetics (formerly Invitae), Labcorp); PubMed 30859559 (cited by Labcorp Genetics (formerly Invitae), Labcorp).

NM_006767.4(LZTR1):c.2323C>T (p.Gln775Ter)

Gene: LZTR1 (leucine zipper like post translational regulator 1; plus strand). Cytogenetic location: 22q11.21.
Variant type: single nucleotide variant.
Coding change: c.2323C>T on transcript NM_006767.4 (MANE Select); coding-DNA position 2323, C replaced by T.
Protein change: p.Gln775Ter; replaces glutamine 775 with a stop codon.
Molecular consequence: nonsense.
Genome position (GRCh38, 1-based): chr22:20,996,799, C>T. VCF-style: chr22-20996799-C-T. GRCh37 (hg19) VCF-style: chr22-21351088-C-T.
Other names: short protein forms Q775*.
Identifiers: ClinVar variation 1789606 (VCV001789606.5), dbSNP rs2518625842, ClinGen allele CA410780945.